The following is an entry in ClinVar:

NM_002047.4(GARS1):c.162C>T (p.Ser54=)

Gene: GARS1 (glycyl-tRNA synthetase 1; plus strand). Cytogenetic location: 7p14.3.
Variant type: single nucleotide variant.
Coding change: c.162C>T on transcript NM_002047.4 (MANE Select); coding-DNA position 162, C replaced by T.
Protein change: p.Ser54=; no amino-acid change (serine 54 retained).
Molecular consequence: synonymous variant. On other transcripts: 5 prime UTR variant (1).
Genome position (GRCh38, 1-based): chr7:30,595,083, C>T. VCF-style: chr7-30595083-C-T. GRCh37 (hg19) VCF-style: chr7-30634699-C-T.
Other names: c.-1C>T (NM_001316772.1).
Identifiers: ClinVar variation 574424 (VCV000574424.10), dbSNP rs758434035, ClinGen allele CA4205600.

ClinVar aggregate classification (germline): Likely benign. Review status: criteria provided, multiple submitters, no conflicts (2 of 4 stars). 2 submissions from 2 submitters: Likely benign (2). Last evaluated 2025-08-18.

Conditions:
Charcot-Marie-Tooth disease type 2. Also called: Charcot-Marie-Tooth type 2. Identifiers: Orphanet 64746, MedGen C0270914, MONDO:0018993.

Allele frequency attached by ClinVar (database versions not stated): TOPMed below 0.00001; ExAC 0.00005; gnomAD exomes 0.00001.
gnomAD v4.1: 26 of 1,546,692 alleles (0.0017%); highest among the groups gnomAD compares: Non-Finnish European, 0.0022%; no homozygotes.

Submissions (2):

Labcorp Genetics (formerly Invitae), Labcorp
Classification: Likely benign for Charcot-Marie-Tooth disease type 2. Last evaluated: 2025-08-18. Review status: criteria provided, single submitter. Criteria: Invitae Variant Classification Sherloc (09022015). Collection method: clinical testing. Allele origin: germline.

Women's Health and Genetics/Laboratory Corporation of America, LabCorp
Classification: Likely benign. Last evaluated: 2024-12-09. Review status: criteria provided, single submitter. Criteria: LabCorp Variant Classification Summary - May 2015. Collection method: clinical testing. Allele origin: germline.
Comment: Variant summary: GARS1 c.162C>T alters a conserved nucleotide resulting in a synonymous change. Several computational tools predict a significant impact on normal splicing: Two predict the variant creates a 5' donor site. One predict the variant abolishes a cryptic 3' acceptor site. However, these predictions have yet to be confirmed by functional studies. The variant allele was found at a frequency of 1.7e-05 in 1546692 control chromosomes (gnomAD database v4). The observed variant frequency is approximately 17 fold of the estimated maximal expected allele frequency for a pathogenic variant in GARS1 causing Charcot-Marie-Tooth disease type 2D phenotype (1e-06). To our knowledge, no occurrence of c.162C>T in individuals affected with Charcot-Marie-Tooth disease type 2D and no experimental evidence demonstrating its impact on protein function have been reported. ClinVar contains an entry for this variant (Variation ID: 574424). Based on the evidence outlined above, the variant was classified as likely benign.